The following is an entry in ClinVar:

ClinVar aggregate classification (germline): Likely pathogenic. Review status: criteria provided, multiple submitters, no conflicts (2 of 4 stars). 2 submissions from 2 submitters: Likely pathogenic (2). Last evaluated 2025-11-24.

Conditions:
Trichothiodystrophy 1, photosensitive (TTD1). Also called: TAY SYNDROME; TRICHOTHIODYSTROPHY WITH CONGENITAL ICHTHYOSIS; PIBIDS SYNDROME. Identifiers: Orphanet 33364, MedGen C1866504, MONDO:0011125, OMIM 601675.
ERCC2-related disorder. Also called: ERCC2-related conditions; ERCC2-related condition; ERCC2-related disorders. Identifiers: MedGen CN239291.

Submissions (2):

Myriad Genetics, Inc.
Classification: Likely pathogenic for ERCC2-related disorder. Last evaluated: 2025-11-24. Review status: criteria provided, single submitter. Criteria: Myriad Autosomal Dominant, Autosomal Recessive and X-Linked Classification Criteria (2023). Collection method: clinical testing. Allele origin: unknown.
Comment: NM_000400.3(ERCC2):c.1831+1G>C is a variant in a canonical splice site classified as likely pathogenic in the context of ERCC2-related disorders. c.1831+1G>C has not been observed in cases with relevant disease. Relevant functional assessments of this variant are not available in the literature. c.1831+1G>C has not been observed in referenced population frequency databases. In summary, NM_000400.3(ERCC2):c.1831+1G>C is a variant in a canonical splice site in a gene where loss of function is a known mechanism of disease and is predicted to disrupt protein function. Please note: this variant was assessed in the context of healthy population screening.

Genomic Medicine Center of Excellence, King Faisal Specialist Hospital and Research Centre
Classification: Likely pathogenic for Trichothiodystrophy 1, photosensitive. Last evaluated: 2025-09-10. Review status: criteria provided, single submitter. Criteria: ACMG Guidelines, 2015. Collection method: clinical testing. Allele origin: germline.

NM_000400.4(ERCC2):c.1831+1G>C

Gene: ERCC2 (ERCC excision repair 2, TFIIH core complex helicase subunit; minus strand). Cytogenetic location: 19q13.32.
Variant type: single nucleotide variant.
Coding change: c.1831+1G>C on transcript NM_000400.4 (MANE Select); the canonical splice donor site of the intron after coding-DNA position 1831, G replaced by C.
Molecular consequence: splice donor variant.
Genome position (GRCh38, 1-based): chr19:45,353,082, C>G on the plus strand (G>C on the coding strand, the complement: ERCC2 is on the minus strand). VCF-style: chr19-45353082-C-G. GRCh37 (hg19) VCF-style: chr19-45856340-C-G.
Other names: c.1708+1G>C (NM_001440357.1); c.1753+1G>C (NM_001440356.1); c.1759+1G>C (NM_001440355.1).
Identifiers: ClinVar variation 4277545 (VCV004277545.2).